The following is an entry in ClinVar:

ClinVar aggregate classification (germline): Likely benign (1 of 4 stars; one submission).

Conditions:
Malignant hyperthermia, susceptibility to, 1 (MHS1). Also called: Anesthesia related hyperthermia; Malignant hyperpyrexia; Fulminating hyperpyrexia; Pharmacogenic myopathy; RYR1-Related Malignant Hyperthermia Susceptibility; Malignant hyperthermia suceptibility 1. Identifiers: Orphanet 423, MedGen C2930980, MONDO:0007783, OMIM 145600.

Submission:

All of Us Research Program, National Institutes of Health
Classification: Likely benign for Malignant hyperthermia, susceptibility to, 1. Last evaluated: 2024-08-13. Review status: criteria provided, single submitter. Criteria: ACMG Guidelines, 2015. Collection method: clinical testing. Allele origin: germline. Inheritance: Autosomal dominant inheritance. Observed: 1 variant allele, 1 heterozygote.
Comment: This study involves interpretation of variants in research participants for the purpose of population health screening. Participant phenotype was not available at the time of variant classification. Additional details can be found in publication PMID: 35346344, PMCID: PMC8962531

NM_000540.3(RYR1):c.1577-5dup

Gene: RYR1 (ryanodine receptor 1; plus strand). Cytogenetic location: 19q13.2.
Variant type: Duplication.
Coding change: c.1577-5dup on transcript NM_000540.3 (MANE Select); 5 bases into the intron before coding-DNA position 1577, one base duplicated (C; older notation c.1577-5dupC).
Molecular consequence: intron variant.
Genome position (GRCh38, 1-based): chr19:38,455,446, C duplicated; the last of 6 consecutive C bases (chr19:38,455,441-38,455,446); duplicating any one gives the same sequence. VCF-style (leftmost placement, unchanged base first): chr19-38455440-T-TC. GRCh37 (hg19) VCF-style: chr19-38946080-T-TC.
Other names: c.1577-5dup (NM_001042723.2).
Identifiers: ClinVar variation 3387650 (VCV003387650.1).